The following is an entry in ClinVar:

NM_000260.4(MYO7A):c.3587C>A (p.Ser1196Tyr)

Gene: MYO7A (myosin VIIA; plus strand). Cytogenetic location: 11q13.5.
Variant type: single nucleotide variant.
Coding change: c.3587C>A on transcript NM_000260.4 (MANE Select); coding-DNA position 3587, C replaced by A.
Protein change: p.Ser1196Tyr; replaces serine 1196 with tyrosine.
Molecular consequence: missense variant.
Genome position (GRCh38, 1-based): chr11:77,189,427, C>A. VCF-style: chr11-77189427-C-A. GRCh37 (hg19) VCF-style: chr11-76900472-C-A.
Other names: c.3587C>A, p.Ser1196Tyr (NM_001127180.2); c.3554C>A, p.Ser1185Tyr (NM_001369365.1); short protein forms S1185Y, S1196Y.
Identifiers: ClinVar variation 942562 (VCV000942562.9), dbSNP rs1555090376, ClinGen allele CA381946999.
Genomic context (GRCh38, chr11:77,189,427, plus strand): 5'-GCAAGCAGCTGACCCACAACCCCTCCAAGAGCAGCTATGCCCGGGGCTGGATTCTCGTGT[C>A]TCTCTGCGTGGGCTGTTTCGCCCCCTCCGAGAAGTTTGTCAAGGTAGGAAGGTGCCTGGC-3'
Protein context (NP_000251.3, residues 1186-1206): SSYARGWILV[Ser1196Tyr]LCVGCFAPSE

ClinVar aggregate classification (germline): Uncertain significance (1 of 4 stars; one submission).

gnomAD v4.1: 2 of 1,613,944 alleles (0.00012%); highest among the groups gnomAD compares: South Asian, 0.0011%; no homozygotes.

Submission:

Labcorp Genetics (formerly Invitae), Labcorp
Classification: Uncertain significance. Last evaluated: 2023-08-04. Review status: criteria provided, single submitter. Criteria: Invitae Variant Classification Sherloc (09022015). Collection method: clinical testing. Allele origin: germline.
Comment: In summary, the available evidence is currently insufficient to determine the role of this variant in disease. Therefore, it has been classified as a Variant of Uncertain Significance. This sequence change replaces serine, which is neutral and polar, with tyrosine, which is neutral and polar, at codon 1196 of the MYO7A protein (p.Ser1196Tyr). This variant is not present in population databases (gnomAD no frequency). This variant has not been reported in the literature in individuals affected with MYO7A-related conditions. ClinVar contains an entry for this variant (Variation ID: 942562). Advanced modeling of protein sequence and biophysical properties (such as structural, functional, and spatial information, amino acid conservation, physicochemical variation, residue mobility, and thermodynamic stability) performed at Invitae indicates that this missense variant is expected to disrupt MYO7A protein function.